The following is an entry in ClinVar:

ClinVar aggregate classification (germline): Likely benign (1 of 4 stars; one submission).

Conditions:
Metaphyseal chondrodysplasia, Schmid type (MCDS). Also called: SPONDYLOMETAPHYSEAL DYSPLASIA, JAPANESE TYPE. Identifiers: Orphanet 174, MedGen C0265289, MONDO:0007983, OMIM 156500.

Allele frequency attached by ClinVar (database versions not stated): gnomAD 0.00001; gnomAD exomes 0.00001 and 0.00002; TOPMed 0.00001; ExAC 0.00002; ESP Exome Variant Server 0.00008.
gnomAD v4.1: 5 of 1,613,716 alleles (0.00031%); highest among the groups gnomAD compares: Non-Finnish European, 0.00042%; no homozygotes.

Submission:

Illumina Laboratory Services, Illumina
Classification: Likely benign for Metaphyseal chondrodysplasia, Schmid type. Last evaluated: 2018-01-13. Review status: criteria provided, single submitter. Criteria: ICSL Variant Classification Criteria 13 December 2019. Collection method: clinical testing. Allele origin: germline.
Comment: This variant was observed in the ICSL laboratory as part of a predisposition screen in an ostensibly healthy population. It had not been previously curated by ICSL or reported in the Human Gene Mutation Database (HGMD: prior to June 1st, 2018), and was therefore a candidate for classification through an automated scoring system. Utilizing variant allele frequency, disease prevalence and penetrance estimates, and inheritance mode, an automated score was calculated to assess if this variant is too frequent to cause the disease. Based on the score and internal cut-off values, a variant classified as likely benign is not then subjected to further curation. The score for this variant resulted in a classification of likely benign for this disease.

NM_000493.4(COL10A1):c.381A>T (p.Gly127=)

Genes: COL10A1 (collagen type X alpha 1 chain; minus strand), NT5DC1 (5'-nucleotidase domain containing 1; plus strand). Cytogenetic location: 6q22.1.
Variant type: single nucleotide variant.
Coding change: c.381A>T on transcript NM_000493.4 (MANE Select); coding-DNA position 381, A replaced by T.
Protein change: p.Gly127=; no amino-acid change (glycine 127 retained).
Molecular consequence: synonymous variant. On other transcripts: intron variant (1).
Genome position (GRCh38, 1-based): chr6:116,121,735, T>A on the plus strand (A>T on the coding strand, the complement: COL10A1 is on the minus strand). VCF-style: chr6-116121735-T-A. GRCh37 (hg19) VCF-style: chr6-116442898-T-A.
Other names: c.381A>T, p.Gly127= (NM_001424106.1, NM_001424107.1); c.529+3790T>A (NM_152729.3).
Identifiers: ClinVar variation 903876 (VCV000903876.4), dbSNP rs139239316, ClinGen allele CA3968412.